The following is an entry in ClinVar:

NM_058172.6(ANTXR2):c.808G>A (p.Val270Ile)

Gene: ANTXR2 (ANTXR cell adhesion molecule 2; minus strand). Cytogenetic location: 4q21.21.
Variant type: single nucleotide variant.
Coding change: c.808G>A on transcript NM_058172.6 (MANE Select); coding-DNA position 808, G replaced by A.
Protein change: p.Val270Ile; replaces valine 270 with isoleucine.
Molecular consequence: missense variant.
Genome position (GRCh38, 1-based): chr4:80,031,681, C>T on the plus strand (G>A on the coding strand, the complement: ANTXR2 is on the minus strand). VCF-style: chr4-80031681-C-T. GRCh37 (hg19) VCF-style: chr4-80952835-C-T.
Other names: c.808G>A, p.Val270Ile (NM_001145794.2); c.577G>A, p.Val193Ile (NM_001286780.2, NM_001286781.2); c.808G>A (NM_001145794.1); short protein forms V270I, V193I.
Identifiers: ClinVar variation 349877 (VCV000349877.16), dbSNP rs113707133, ClinGen allele CA2981827.

ClinVar aggregate classification (germline): Benign/Likely benign. Review status: criteria provided, multiple submitters, no conflicts (2 of 4 stars). 5 submissions from 5 submitters: Benign (2); Likely benign (3). Last evaluated 2026-02-02.

Conditions:
Hyaline fibromatosis syndrome (HFS). Also called: Hyalinosis, Inherited Systemic; HYALINOSIS, SYSTEMIC. Identifiers: Orphanet 2028, Orphanet 498474, MedGen C5574677, MONDO:0009229, OMIM 228600.

Allele frequency attached by ClinVar (database versions not stated): gnomAD exomes 0.00150; ExAC 0.00445; ESP Exome Variant Server 0.00927; gnomAD 0.00738 and 0.00790; TOPMed 0.00864; 1000 Genomes Project 0.00899; 1000 Genomes Project 30x 0.00906.
gnomAD v4.1: 2,133 of 1,505,830 alleles (0.14%); highest among the groups gnomAD compares: African/African-American, 2.6%; 33 homozygotes.

Submissions (5):

Labcorp Genetics (formerly Invitae), Labcorp
Classification: Benign. Last evaluated: 2026-02-02. Review status: criteria provided, single submitter. Criteria: Invitae Variant Classification Sherloc (09022015). Collection method: clinical testing. Allele origin: germline.

Genomic Medicine Center of Excellence, King Faisal Specialist Hospital and Research Centre
Classification: Likely benign. Last evaluated: 2025-08-18. Review status: criteria provided, single submitter. Criteria: ACMG Guidelines, 2015. Collection method: clinical testing. Allele origin: germline.

GeneDx
Classification: Likely benign. Last evaluated: 2024-05-15. Review status: criteria provided, single submitter. Criteria: GeneDx Variant Classification Process June 2021. Collection method: clinical testing. Allele origin: germline. Affected: yes.
Comment: See Variant Classification Assertion Criteria.

Illumina Laboratory Services, Illumina
Classification: Benign for Hyaline fibromatosis syndrome. Last evaluated: 2018-01-13. Review status: criteria provided, single submitter. Criteria: ICSL Variant Classification Criteria 13 December 2019. Collection method: clinical testing. Allele origin: germline.
Comment: This variant was observed in the ICSL laboratory as part of a predisposition screen in an ostensibly healthy population. It had not been previously curated by ICSL or reported in the Human Gene Mutation Database (HGMD: prior to June 1st, 2018), and was therefore a candidate for classification through an automated scoring system. Utilizing variant allele frequency, disease prevalence and penetrance estimates, and inheritance mode, an automated score was calculated to assess if this variant is too frequent to cause the disease. Based on the score and internal cut-off values, a variant classified as benign is not then subjected to further curation. The score for this variant resulted in a classification of benign for this disease.

Breakthrough Genomics
Classification: Likely benign. Review status: criteria provided, single submitter. Criteria: ACMG Guidelines, 2015. Collection method: not provided. Allele origin: germline. Inheritance: Autosomal recessive inheritance. Affected: yes.